The following is an entry in ClinVar:

NM_001367479.1(DNAH14):c.4289G>C (p.Ser1430Thr)

Gene: DNAH14 (dynein axonemal heavy chain 14; plus strand). Cytogenetic location: 1q42.12.
Variant type: single nucleotide variant.
Coding change: c.4289G>C on transcript NM_001367479.1 (MANE Select); coding-DNA position 4289, G replaced by C.
Protein change: p.Ser1430Thr; replaces serine 1430 with threonine.
Molecular consequence: missense variant.
Genome position (GRCh38, 1-based): chr1:225,140,802, G>C. VCF-style: chr1-225140802-G-C. GRCh37 (hg19) VCF-style: chr1-225328504-G-C.
Other names: NM_001373.1:c.4238G>C; short protein forms S1430T.
Identifiers: ClinVar variation 2574801 (VCV002574801.1), dbSNP rs201843941, ClinGen allele CA1416007.

ClinVar aggregate classification (germline): Uncertain significance (1 of 4 stars; one submission).

Allele frequency attached by ClinVar (database versions not stated): gnomAD exomes 0.00002; TOPMed 0.00002; gnomAD 0.00003; ExAC 0.00005.
gnomAD v4.1: 30 of 1,549,428 alleles (0.0019%); highest among the groups gnomAD compares: Non-Finnish European, 0.0024%; no homozygotes.

Submission:

GeneDx
Classification: Uncertain significance. Last evaluated: 2023-02-01. Review status: criteria provided, single submitter. Criteria: GeneDx Variant Classification Process June 2021. Collection method: clinical testing. Allele origin: germline. Affected: yes.
Comment: In silico analysis supports that this missense variant does not alter protein structure/function; In silico analysis is inconclusive as to whether the variant alters gene splicing. In the absence of RNA/functional studies, the actual effect of this sequence change is unknown.; Has not been previously published as pathogenic or benign to our knowledge